The following is an entry in ClinVar:

NM_000062.3(SERPING1):c.1445G>A (p.Trp482Ter)

Gene: SERPING1 (serpin family G member 1; plus strand). Cytogenetic location: 11q12.1.
Variant type: single nucleotide variant.
Coding change: c.1445G>A on transcript NM_000062.3 (MANE Select); coding-DNA position 1445, G replaced by A.
Protein change: p.Trp482Ter; replaces tryptophan 482 with a stop codon.
Molecular consequence: nonsense.
Genome position (GRCh38, 1-based): chr11:57,614,523, G>A. VCF-style: chr11-57614523-G-A. GRCh37 (hg19) VCF-style: chr11-57381996-G-A.
Other names: c.1445G>A, p.Trp482Ter (NM_001032295.2); short protein forms W482*.
Identifiers: ClinVar variation 2769565 (VCV002769565.3), dbSNP rs2495458540, ClinGen allele CA380690843.
Genomic context (GRCh38, chr11:57,614,523, plus strand): 5'-TCTCTGTGGCCCGCACCCTGCTGGTCTTTGAAGTGCAGCAGCCCTTCCTCTTCGTGCTCT[G>A]GGACCAGCAGCACAAGTTCCCTGTCTTCATGGGGCGAGTATATGACCCCAGGGCCTGAGA-3'

ClinVar aggregate classification (germline): Pathogenic (1 of 4 stars; one submission).

Submission:

Labcorp Genetics (formerly Invitae), Labcorp
Classification: Pathogenic. Last evaluated: 2023-10-17. Review status: criteria provided, single submitter. Criteria: Invitae Variant Classification Sherloc (09022015). Collection method: clinical testing. Allele origin: germline.
Comment: This sequence change creates a premature translational stop signal (p.Trp482*) in the SERPING1 gene. While this is not anticipated to result in nonsense mediated decay, it is expected to disrupt the last 19 amino acid(s) of the SERPING1 protein. This variant is not present in population databases (gnomAD no frequency). This variant has not been reported in the literature in individuals affected with SERPING1-related conditions. This variant disrupts a region of the SERPING1 protein in which other variant(s) (p.Arg494*) have been determined to be pathogenic (PMID: 8755917, 30508583, 32065705; Invitae). This suggests that this is a clinically significant region of the protein, and that variants that disrupt it are likely to be disease-causing. For these reasons, this variant has been classified as Pathogenic.

Literature cited by the submitters: PubMed 8755917; PubMed 30508583; PubMed 32065705.